The following is an entry in ClinVar:

NM_000053.4(ATP7B):c.2996_3011del (p.Thr999fs)

Gene: ATP7B (ATPase copper transporting beta; minus strand). Cytogenetic location: 13q14.3.
Variant type: Deletion.
Coding change: c.2996_3011del on transcript NM_000053.4 (MANE Select); coding-DNA positions 2996 to 3011, 16 bases deleted (CCGGGGTGGCCGCGCA).
Protein change: p.Thr999fs; shifts the reading frame from threonine 999.
Molecular consequence: frameshift variant. On other transcripts: intron variant (6).
Genome position (GRCh38, 1-based): chr13:51,946,333-51,946,348, TGCGCGGCCACCCCGG deleted on the plus strand (CCGGGGTGGCCGCGCA on the coding strand, the reverse complement: ATP7B is on the minus strand); deleting any 16 consecutive bases within chr13:51,946,333-51,946,351 gives the same sequence; the c. name uses the placement nearest the transcript's 3' end. VCF-style (leftmost placement, unchanged base first): chr13-51946332-CTGCGCGGCCACCCCGG-C. GRCh37 (hg19) VCF-style: chr13-52520468-CTGCGCGGCCACCCCGG-C.
Other names: c.2375_2390del, p.Thr792fs (NM_001005918.3); c.2663_2678del, p.Thr888fs (NM_001243182.2); c.2762_2777del, p.Thr921fs (NM_001330578.2, NM_001406527.1, NM_001406528.1 and 1 more transcripts); c.2744_2759del, p.Thr915fs (NM_001330579.2, NM_001406531.1, NM_001406532.1); c.2996_3011del, p.Thr999fs (NM_001406511.1, NM_001406512.1, NM_001406513.1 and 2 more transcripts); c.2963_2978del, p.Thr988fs (NM_001406514.1); c.2942_2957del, p.Thr981fs (NM_001406515.1, NM_001406516.1); c.2900_2915del, p.Thr967fs (NM_001406517.1, NM_001406518.1); and 18 more; short protein forms T837fs, T915fs, T921fs, T940fs, T792fs, T856fs, T883fs, T981fs.
Identifiers: ClinVar variation 5003638 (VCV005003638.1).
Genomic context (GRCh38, chr13:51,946,332, plus strand): 5'-CTACAGGCTGACCTTGTGCGCCATCTCCAGGGGCTTGCCTCCCTTGATGAGGATGCCGTT[CTGCGCGGCCACCCCGG>C]TGCCCACCATGACAGCCGTGGGCGTGGCCAGCCCCAGGGAGCAGGGGCAGGCAATGCACA-3'

ClinVar aggregate classification (germline): Pathogenic (1 of 4 stars; one submission).

Conditions:
Wilson disease (WND). Also called: Wilson's disease. Identifiers: Orphanet 905, MedGen C0019202, MONDO:0010200, OMIM 277900. Disease mechanism: loss of function.

Submission:

Myriad Genetics, Inc.
Classification: Pathogenic for Wilson disease. Last evaluated: 2026-03-17. Review status: criteria provided, single submitter. Criteria: Myriad Autosomal Dominant, Autosomal Recessive and X-Linked Classification Criteria (2023). Collection method: clinical testing. Allele origin: unknown.
Comment: NM_000053.3(ATP7B):c.2996_3011del16(T999Rfs*18) is a frameshift variant classified as pathogenic in the context of Wilson disease. T999Rfs*18 has been observed in cases with relevant disease (PMID: 30230192). Relevant functional assessments of this variant are not available in the literature. T999Rfs*18 has not been observed in referenced population frequency databases. In summary, NM_000053.3(ATP7B):c.2996_3011del16(T999Rfs*18) is a frameshift variant that has been observed more frequently in cases with the relevant disease than in healthy populations. Please note: this variant was assessed in the context of healthy population screening.

Literature cited by the submitters: PubMed 30230192.